The following is an entry in ClinVar:

ClinVar aggregate classification (germline): Likely pathogenic. Review status: reviewed by expert panel (3 of 4 stars). 8 submissions from 8 submitters: Likely pathogenic (1). 7 of the submissions do not count toward it. Last evaluated 2025-10-07.

Conditions:
RMRP-related disorder. Also called: RMRP-related condition.
Anauxetic dysplasia 1 (ANXD1). Also called: Anauxetic Dysplasia (AD). Identifiers: Orphanet 93347, MedGen C4551965, MONDO:0054560, OMIM 607095.
Metaphyseal chondrodysplasia, McKusick type (CHH). Also called: Cartilage-Hair Hypoplasia (CHH); Cartilage-hair hypoplasia. Identifiers: Orphanet 175, MedGen C0220748, MONDO:0009595, OMIM 250250.
Metaphyseal dysplasia without hypotrichosis. Also called: Metaphyseal Dysplasia without Hypotrichosis (MDWH); CARTILAGE-HAIR HYPOPLASIA VARIANT, SKELETAL MANIFESTATIONS ONLY; CARTILAGE-HAIR HYPOPLASIA-LIKE SKELETAL DYSPLASIA WITHOUT HYPOTRICHOSIS OR IMMUNODEFICIENCY. Identifiers: MedGen C1834821, MONDO:0009601, OMIM 250460.
Anauxetic dysplasia. Identifiers: Orphanet 93347, MedGen C1846796, MONDO:0011773.

Allele frequency attached by ClinVar (database versions not stated): TOPMed 0.00006; gnomAD 0.00009 and 0.00010; gnomAD exomes 0.00012.
gnomAD v4.1: 60 of 696,526 alleles (0.0086%); highest among the groups gnomAD compares: Non-Finnish European, 0.014%; no homozygotes.

Submissions (8):

ClinGen Severe Combined Immunodeficiency Variant Curation Expert Panel, ClinGen
Classification: Likely pathogenic for Metaphyseal chondrodysplasia, McKusick type. Last evaluated: 2025-10-07. Review status: reviewed by expert panel. Criteria: ClinGen SCID ACMG Specifications RMRP V1.2.0. Collection method: curation. Allele origin: germline. Inheritance: Autosomal recessive inheritance.
Comment: The variant NC_000009.12:g.35657776T>C, also known as NR_003051.4(RMRP):n.244A>G, is present in gnomAD v.4.1.0 at a GrpMax filtering allele frequency of 0.0001067, which is higher than the ClinGen SCID VCEP specified PM2_Supporting threshold of <0.0000447, but lower than the BS1 threshold of >0.00089 . Therefore, Both PM2_supporting and BS1 are not met. At least one patient presented with Metaphyseal dysplasia (+1.0 points), Combined immunodeficiency (+1.0 points), and hypotrichosis (+0.5 points), reaching a total of 2.5 (PMID: 18804272), therefore PP4_Moderate is met. This variant has been found in trans with the variants c.146>A (+1.0 points) and c.193G>A (+0.25 points), g.4C>T (+1.0 points), g.96G>A (+0.25 points) and 152G (+0.25 points) reaching a total of 2.75 points (PMID: 18804272, 25663137, 29744913, 16244706, 12107819), and meeting PM3_Strong. In summary, this variant is classified as Likely Pathogenic for Autosomal recessive Cartilage Hair Hypoplasia based on the ACMG/AMP criteria applied, as specified by the ClinGen SCID VCEP: PM3_Strong, PP4_Moderate (VCEP specifications version 1). NR_003051.3 is the historic transcript with the first nucleotide of the transcribed non-coding RNA that differs from the current MANE transcript, namely NR_003051.4. In this curation, NR_003051.3 was used in the following PMID(s): 18804272, 25663137, 29744913, 16244706, 12107819.

Labcorp Genetics (formerly Invitae), Labcorp
Classification: Pathogenic for Anauxetic dysplasia. Last evaluated: 2025-11-19. Review status: criteria provided, single submitter. Criteria: Invitae Variant Classification Sherloc (09022015). Collection method: clinical testing. Allele origin: germline. Not counted in ClinVar's aggregate classification.
Comment: This variant occurs in the RMRP gene, which encodes an RNA molecule that does not result in a protein product. This variant is present in population databases (rs551450545, gnomAD 0.03%). This variant has been observed in individual(s) with cartilage hair hypoplasia (PMID: 12107819, 18804272, 25663137, 29744913). In at least one individual the data is consistent with being in trans (on the opposite chromosome) from a pathogenic variant. This variant is also known as 242A>G and 242G. ClinVar contains an entry for this variant (Variation ID: 487451). For these reasons, this variant has been classified as Pathogenic.

Natera, Inc.
Classification: Likely pathogenic for Cartilage-hair hypoplasia. Last evaluated: 2025-10-01. Review status: criteria provided, single submitter. Criteria: Natera Variant Classification Schema (03/2026). Collection method: clinical testing. Allele origin: germline. Not counted in ClinVar's aggregate classification.
Comment: The n.243A>G variant in RMRP is characterized as a single nucleotide variant (SNV). This variant is rare in the general population with a frequency below the threshold expected for the associated phenotype(s). This variant has been observed in one or more individuals affected with the associated recessive disease, as either homozygous or compound heterozygous with a second variant (PMID: 12107819, 18804272, 29744913). Given the available evidence, this variant is classified as Likely Pathogenic.

Blueprint Genetics
Classification: Pathogenic for RMRP-related disorders. Last evaluated: 2023-01-11. Review status: criteria provided, single submitter. Criteria: ACMG Guidelines, 2015. Collection method: clinical testing. Allele origin: germline. Affected: yes. Observed: 5 variant alleles. Not counted in ClinVar's aggregate classification.

Women's Health and Genetics/Laboratory Corporation of America, LabCorp
Classification: Pathogenic for Metaphyseal chondrodysplasia, McKusick type. Last evaluated: 2021-10-18. Review status: criteria provided, single submitter. Criteria: LabCorp Variant Classification Summary - May 2015. Collection method: clinical testing. Allele origin: germline. Not counted in ClinVar's aggregate classification.
Comment: Variant summary: RMRP n.243A>G (also known as 242A>G) involves the alteration of a conserved nucleotide. The variant allele was found at a frequency of 0.0001 in 128784 control chromosomes (gnomAD). This frequency is lower than expected for a pathogenic variant in RMRP causing Cartilage-Hair Hypoplasia (0.0001 vs 0.0072), allowing no conclusion about variant significance. The variant, n.243A>G, has been reported in the literature in individuals affected with Cartilage-Hair Hypoplasia (e.g. Ridanpaa_2002, Bonafe_2005, Kavadas_2008, Ip_2015, Faitelson_2015, Sathishkumar_2018). These data indicate that the variant is likely to be associated with disease. To our knowledge, no experimental evidence demonstrating an impact on protein function has been reported. Two other clinical diagnostic laboratories have submitted clinical-significance assessments for this variant to ClinVar after 2014 without evidence for independent evaluation. Both laboratories cited the variant as likely pathogenic/pathogenic. Based on the evidence outlined above, the variant was classified as pathogenic.

Fulgent Genetics
Classification: Likely pathogenic for Metaphyseal chondrodysplasia, McKusick type; Metaphyseal dysplasia without hypotrichosis; Anauxetic dysplasia 1. Last evaluated: 2021-08-23. Review status: criteria provided, single submitter. Criteria: ACMG Guidelines, 2015. Collection method: clinical testing. Allele origin: unknown. Not counted in ClinVar's aggregate classification.

PreventionGenetics, part of Exact Sciences
Classification: Likely pathogenic for RMRP-related condition. Last evaluated: 2024-06-19. Review status: no assertion criteria provided. Collection method: clinical testing. Allele origin: germline. Not counted in ClinVar's aggregate classification.
Comment: The RMRP n.243A>G is a noncoding alteration. This variant has been documented in the compound heterozygous state in multiple unrelated individuals affected with cartilage hair hypoplasia (described as 242G or g.242A>G in Ridanpaa et al. 2002. PubMed ID: 12107819; Kavadas et al. 2008. PubMed ID: 18804272; Ip et al. 2015. PubMed ID: 25663137; Sathishkumar et al. 2018. PubMed ID: 29744913). This variant is reported in 0.025% of alleles in individuals of East Asian descent in gnomAD. Based on the available evidence, we interpret this variant as likely pathogenic.

Counsyl
Classification: Likely pathogenic for Metaphyseal chondrodysplasia, McKusick type. Last evaluated: 2017-06-16. Review status: no assertion criteria provided. Collection method: clinical testing. Allele origin: unknown. Not counted in ClinVar's aggregate classification.

Literature cited by the submitters: PubMed 12107819 (cited by 4 submitters); PubMed 18804272 (cited by 4 submitters); PubMed 25663137 (cited by 3 submitters); PubMed 29744913 (cited by 3 submitters); PubMed 16244706 (cited by Women's Health and Genetics/Laboratory Corporation of America, LabCorp and Counsyl); PubMed 17701897 (cited by Women's Health and Genetics/Laboratory Corporation of America, LabCorp); PubMed 17189938 (cited by Women's Health and Genetics/Laboratory Corporation of America, LabCorp); PubMed 27569544 (cited by Women's Health and Genetics/Laboratory Corporation of America, LabCorp); PubMed 21956908 (cited by Women's Health and Genetics/Laboratory Corporation of America, LabCorp); PubMed 21396580 (cited by Women's Health and Genetics/Laboratory Corporation of America, LabCorp).

NR_003051.4(RMRP):n.244A>G

Gene: RMRP (RNA component of mitochondrial RNA processing endoribonuclease; minus strand). Cytogenetic location: 9p13.3.
Variant type: single nucleotide variant.
Genome position: GRCh38 VCF-style: chr9-35657776-T-C. GRCh37 (hg19) VCF-style: chr9-35657773-T-C.
Identifiers: ClinVar variation 487451 (VCV000487451.18), dbSNP rs551450545, ClinGen allele CA192745540.